The following is an entry in ClinVar:

ClinVar aggregate classification (germline): Likely benign (1 of 4 stars; one submission).

Submission:

CeGaT Center for Human Genetics Tuebingen
Classification: Likely benign. Last evaluated: 2026-05-01. Review status: criteria provided, single submitter. Criteria: CeGaT Center For Human Genetics Tuebingen Variant Classification Criteria Version 2. Collection method: clinical testing. Allele origin: germline. Affected: yes. Observed: 3 variant alleles.
Comment: AC187652.1: BP4, BP7

NC_000007.14:g.263348C>T

Variant type: single nucleotide variant.
Genome position: GRCh38 VCF-style: chr7-263348-C-T. GRCh37 (hg19) VCF-style: chr7-303314-C-T.
Identifiers: ClinVar variation 1176848 (VCV001176848.34), dbSNP rs1205696260, ClinGen allele CA453328338.